The following is an entry in ClinVar:

NM_001134831.2(AHI1):c.630_631del (p.Lys211fs)

Gene: AHI1 (Abelson helper integration site 1; minus strand). Cytogenetic location: 6q23.3.
Variant type: Deletion.
Coding change: c.630_631del on transcript NM_001134831.2 (MANE Select); coding-DNA positions 630 to 631, 2 bases deleted (GA; older notation c.630_631delGA).
Protein change: p.Lys211fs; shifts the reading frame from lysine 211.
Molecular consequence: frameshift variant.
Genome position (GRCh38, 1-based): chr6:135,465,932-135,465,933, TC deleted on the plus strand (GA on the coding strand, the reverse complement: AHI1 is on the minus strand); deleting any 2 consecutive bases within chr6:135,465,932-135,465,934 gives the same sequence; the c. name uses the placement nearest the transcript's 3' end. VCF-style (leftmost placement, unchanged base first): chr6-135465931-TTC-T. GRCh37 (hg19) VCF-style: chr6-135787069-TTC-T.
Other names: c.630_631del, p.Lys211fs (NM_001134830.2, NM_001134832.2, NM_001350503.2 and 2 more transcripts); c.630_631delGA (NM_017651.5); short protein forms K211fs.
Identifiers: ClinVar variation 3769079 (VCV003769079.2).

ClinVar aggregate classification (germline): Pathogenic (1 of 4 stars; one submission).

Conditions:
Joubert syndrome and related disorders. Identifiers: Orphanet 140874, MedGen C5679612, MONDO:0015369.

Submission:

Women's Health and Genetics/Laboratory Corporation of America, LabCorp
Classification: Pathogenic for Joubert syndrome and related disorders. Last evaluated: 2025-01-15. Review status: criteria provided, single submitter. Criteria: LabCorp Variant Classification Summary - May 2015. Collection method: clinical testing. Allele origin: germline.
Comment: Variant summary: AHI1 c.630_631delGA (p.Lys211ThrfsX16) results in a premature termination codon, predicted to cause a truncation of the encoded protein or absence of the protein due to nonsense mediated decay, which are commonly known mechanisms for disease. The variant was absent in 245370 control chromosomes (gnomAD). c.630_631delGA has been reported in the literature in at least an individual affected AHI1-related conditions (example: Panneman_2023) . To our knowledge, no experimental evidence demonstrating an impact on protein function has been reported. The following publication has been ascertained in the context of this evaluation (PMID: 36819107). No submitters have cited clinical-significance assessments for this variant to ClinVar. Based on the evidence outlined above, the variant was classified as pathogenic.

Literature cited by the submitters: PubMed 36819107.